The following is an entry in ClinVar:

ClinVar aggregate classification (germline): Uncertain significance. Review status: criteria provided, multiple submitters, no conflicts (2 of 4 stars). 2 submissions from 2 submitters: Uncertain significance (2). Last evaluated 2023-11-25.

Conditions:
Immunodeficiency 37 (IMD37). Identifiers: MedGen C4015195, MONDO:0014491, OMIM 616098.

Allele frequency attached by ClinVar (database versions not stated): TOPMed 0.00014; gnomAD 0.00017; 1000 Genomes Project 0.00020; ExAC 0.00021; 1000 Genomes Project 30x 0.00031; gnomAD exomes 0.00034.
gnomAD v4.1: 509 of 1,614,204 alleles (0.032%); highest among the groups gnomAD compares: East Asian, 1%; 6 homozygotes.

Submissions (2):

Labcorp Genetics (formerly Invitae), Labcorp
Classification: Uncertain significance for Immunodeficiency 37. Last evaluated: 2023-11-25. Review status: criteria provided, single submitter. Criteria: Invitae Variant Classification Sherloc (09022015). Collection method: clinical testing. Allele origin: germline.
Comment: This sequence change replaces threonine, which is neutral and polar, with methionine, which is neutral and non-polar, at codon 162 of the BCL10 protein (p.Thr162Met). This variant is present in population databases (rs200837308, gnomAD 0.2%). This variant has not been reported in the literature in individuals affected with BCL10-related conditions. ClinVar contains an entry for this variant (Variation ID: 2063733). An algorithm developed to predict the effect of missense changes on protein structure and function (PolyPhen-2) suggests that this variant is likely to be disruptive. In summary, the available evidence is currently insufficient to determine the role of this variant in disease. Therefore, it has been classified as a Variant of Uncertain Significance.

Blueprint Genetics
Classification: Uncertain significance. Last evaluated: 2022-04-26. Review status: criteria provided, single submitter. Criteria: ACMG Guidelines, 2015. Collection method: clinical testing. Allele origin: germline.

NM_003921.5(BCL10):c.485C>T (p.Thr162Met)

Gene: BCL10 (BCL10 immune signaling adaptor; minus strand). Cytogenetic location: 1p22.3.
Variant type: single nucleotide variant.
Coding change: c.485C>T on transcript NM_003921.5 (MANE Select); coding-DNA position 485, C replaced by T.
Protein change: p.Thr162Met; replaces threonine 162 with methionine.
Molecular consequence: missense variant.
Genome position (GRCh38, 1-based): chr1:85,267,844, G>A on the plus strand (C>T on the coding strand, the complement: BCL10 is on the minus strand). VCF-style: chr1-85267844-G-A. GRCh37 (hg19) VCF-style: chr1-85733527-G-A.
Other names: c.452C>T, p.Thr151Met (NM_001320715.2); short protein forms T151M, T162M.
Identifiers: ClinVar variation 2063733 (VCV002063733.3), dbSNP rs200837308, ClinGen allele CA929741.
Genomic context (GRCh38, chr1:85,267,844, plus strand): 5'-GTTCTGCCTACTTCTAGAACAGGCAAATTCAGAGAAGAATTAGTAGAAAAAAAGGGCGTC[G>A]TGCTGGATTCTCCTTCTGGATGGTACATGACAGTGGATGCCCTCAGTTTTTCAGAGAAAT-3'
Protein context (NP_003912.1, residues 152-172): VMYHPEGESS[Thr162Met]TPFFSTNSSL